The following is an entry in ClinVar:

ClinVar aggregate classification (germline): Uncertain significance (0 of 4 stars; one submission).

Conditions:
EIF4G1-related disorder. Also called: EIF4G1-related condition.

gnomAD v4.1: 4 of 1,613,748 alleles (0.00025%); highest among the groups gnomAD compares: Non-Finnish European, 0.00025%; no homozygotes.

Submission:

PreventionGenetics, part of Exact Sciences
Classification: Uncertain significance for EIF4G1-related condition. Last evaluated: 2024-08-23. Review status: no assertion criteria provided. Collection method: clinical testing. Allele origin: germline.
Comment: The EIF4G1 c.692G>C variant is predicted to result in the amino acid substitution p.Arg231Pro. To our knowledge, this variant has not been reported in the literature. This variant is reported in 0.0046% of alleles in individuals of European (Finnish) descent in gnomAD. At this time, the clinical significance of this variant is uncertain due to the absence of conclusive functional and genetic evidence.

NM_198241.3(EIF4G1):c.692G>C (p.Arg231Pro)

Gene: EIF4G1 (eukaryotic translation initiation factor 4 gamma 1; plus strand). Cytogenetic location: 3q27.1.
Variant type: single nucleotide variant.
Coding change: c.692G>C on transcript NM_198241.3 (MANE Select); coding-DNA position 692, G replaced by C.
Protein change: p.Arg231Pro; replaces arginine 231 with proline.
Molecular consequence: missense variant.
Genome position (GRCh38, 1-based): chr3:184,320,988, G>C. VCF-style: chr3-184320988-G-C. GRCh37 (hg19) VCF-style: chr3-184038776-G-C.
Other names: c.713G>C, p.Arg238Pro (NM_001194946.2, NM_001194947.2); c.572G>C, p.Arg191Pro (NM_001291157.2); c.104G>C, p.Arg35Pro (NM_004953.5); c.692G>C, p.Arg231Pro (NM_182917.4); c.200G>C, p.Arg67Pro (NM_198242.3); c.431G>C, p.Arg144Pro (NM_198244.3); short protein forms R144P, R191P, R231P, R238P, R35P, R67P.
Identifiers: ClinVar variation 3349241 (VCV003349241.1).